The following is an entry in ClinVar:

NM_000059.4(BRCA2):c.370A>C (p.Met124Leu)

Gene: BRCA2 (BRCA2 DNA repair associated; plus strand). Cytogenetic location: 13q13.1.
Variant type: single nucleotide variant.
Coding change: c.370A>C on transcript NM_000059.4 (MANE Select); coding-DNA position 370, A replaced by C.
Protein change: p.Met124Leu; replaces methionine 124 with leucine.
Molecular consequence: missense variant.
Genome position (GRCh38, 1-based): chr13:32,325,129, A>C. VCF-style: chr13-32325129-A-C. GRCh37 (hg19) VCF-style: chr13-32899266-A-C.
Other names: 598A>C; short protein forms M124L.
Identifiers: ClinVar variation 37854 (VCV000037854.12), dbSNP rs397507314, ClinGen allele CA018625.

ClinVar aggregate classification (germline): Conflicting classifications of pathogenicity. Review status: criteria provided, conflicting classifications (1 of 4 stars). 4 submissions from 4 submitters: Uncertain significance (1); Likely benign (1). 2 of the submissions do not count toward it. Last evaluated 2026-03-24.

Conditions:
Hereditary cancer-predisposing syndrome. Also called: Hereditary neoplastic syndrome; Neoplastic Syndromes, Hereditary; Hereditary Cancer Syndrome; Tumor predisposition. Identifiers: Orphanet 140162, MedGen C0027672, MeSH D009386, MONDO:0015356.
Hereditary breast ovarian cancer syndrome. Also called: Hereditary breast and/or ovarian cancer syndrome; Hereditary breast and ovarian cancer syndrome; Hereditary breast and ovarian cancer syndrome (HBOC); Breast and ovarian cancer; BRCA1- and BRCA2-Associated Hereditary Breast and Ovarian Cancer; Hereditary breast and ovarian cancer. Identifiers: Orphanet 145, MedGen C0677776, MeSH D061325, MONDO:0003582. Disease mechanism: loss of function.
Breast-ovarian cancer, familial, susceptibility to, 2 (BROVCA2). Also called: BRCA2 Hereditary Breast and Ovarian Cancer. Identifiers: Orphanet 145, MedGen C2675520, MONDO:0012933, OMIM 612555. Disease mechanism: loss of function.

Allele frequency attached by ClinVar (database versions not stated): gnomAD exomes below 0.00001; ExAC 0.00001.

Submissions (4):

Ambry Genetics
Classification: Likely benign for Hereditary cancer-predisposing syndrome. Last evaluated: 2026-03-24. Review status: criteria provided, single submitter. Criteria: Ambry Variant Classification Scheme 2023. Collection method: clinical testing. Allele origin: germline.

Labcorp Genetics (formerly Invitae), Labcorp
Classification: Uncertain significance for Hereditary breast ovarian cancer syndrome. Last evaluated: 2020-02-27. Review status: criteria provided, single submitter. Criteria: Invitae Variant Classification Sherloc (09022015). Collection method: clinical testing. Allele origin: germline.
Comment: This sequence change replaces methionine with leucine at codon 124 of the BRCA2 protein (p.Met124Leu). The methionine residue is weakly conserved and there is a small physicochemical difference between methionine and leucine. This variant is present in population databases (rs397507314, ExAC 0.002%) but has not been reported in the literature in individuals with a BRCA2-related disease. ClinVar contains an entry for this variant (Variation ID: 37854). Algorithms developed to predict the effect of missense changes on protein structure and function output the following: (SIFT: "Tolerated"; PolyPhen-2: "Benign"; Align-GVGD: "Class C0"). In addition, the leucine amino acid residue is found in multiple mammalian species, suggesting that this missense change does not adversely affect protein function. These predictions have not been confirmed by published functional studies. In summary, this variant is a rare missense change that is not predicted to affect protein function. There is no indication that it causes disease, but the available evidence is currently insufficient to prove that conclusively. Therefore, it has been classified as a Variant of Uncertain Significance.

BRCAlab, Lund University
Classification: Uncertain significance for Breast-ovarian cancer, familial, susceptibility to, 2. Last evaluated: 2020-03-02. Review status: no assertion criteria provided. Collection method: clinical testing. Allele origin: germline. Affected: yes. Not counted in ClinVar's aggregate classification.

Sharing Clinical Reports Project (SCRP)
Classification: Uncertain significance for Breast-ovarian cancer, familial 2. Last evaluated: 2008-03-17. Review status: no assertion criteria provided. Collection method: clinical testing. Allele origin: germline. Not counted in ClinVar's aggregate classification.